The following is an entry in ClinVar:

NM_199242.3(UNC13D):c.2719_2722dup (p.Ser908fs)

Genes: UNC13D (unc-13 homolog D; minus strand), LOC112533672 (Sharpr-MPRA regulatory region 1193; plus strand). Cytogenetic location: 17q25.1.
Variant type: Duplication.
Coding change: c.2719_2722dup on transcript NM_199242.3 (MANE Select); coding-DNA positions 2719 to 2722, 4 bases duplicated (ACCT; older notation c.2719_2722dupACCT).
Protein change: p.Ser908fs; shifts the reading frame from serine 908.
Molecular consequence: frameshift variant.
Genome position (GRCh38, 1-based): chr17:75,830,470-75,830,473, AGGT duplicated on the plus strand (ACCT on the coding strand, the reverse complement: UNC13D is on the minus strand). VCF-style (leftmost placement, unchanged base first): chr17-75830469-G-GAGGT. GRCh37 (hg19) VCF-style: chr17-73826550-G-GAGGT.
Other names: short protein forms S908fs.
Identifiers: ClinVar variation 2736657 (VCV002736657.3), dbSNP rs2545976911, ClinGen allele CA2695227022.

ClinVar aggregate classification (germline): Pathogenic (1 of 4 stars; one submission).

Conditions:
Familial hemophagocytic lymphohistiocytosis 3 (FHL3). Also called: UNC13D-Related Familial Hemophagocytic Lymphohistiocytosis (UNC13D-fHLH). Identifiers: Orphanet 540, MedGen C1837174, MONDO:0012146, OMIM 608898.

Submission:

Labcorp Genetics (formerly Invitae), Labcorp
Classification: Pathogenic for Familial hemophagocytic lymphohistiocytosis 3. Last evaluated: 2023-07-16. Review status: criteria provided, single submitter. Criteria: Invitae Variant Classification Sherloc (09022015). Collection method: clinical testing. Allele origin: germline.
Comment: This premature translational stop signal has been observed in individual(s) with hemophagocytic lymphohistiocytosis (PMID: 33365035). This variant is not present in population databases (gnomAD no frequency). This sequence change creates a premature translational stop signal (p.Ser908Tyrfs*3) in the UNC13D gene. It is expected to result in an absent or disrupted protein product. Loss-of-function variants in UNC13D are known to be pathogenic (PMID: 14622600). This variant is also known as c.2722insACCT. For these reasons, this variant has been classified as Pathogenic.

Literature cited by the submitters: PubMed 33365035; PubMed 14622600.